The following is an entry in ClinVar:

NM_004329.3(BMPR1A):c.1100del (p.Asn367fs)

Gene: BMPR1A (bone morphogenetic protein receptor type 1A; plus strand). Cytogenetic location: 10q23.2.
Variant type: Deletion.
Coding change: c.1100del on transcript NM_004329.3 (MANE Select); coding-DNA position 1100, one base deleted (A; older notation c.1100delA).
Protein change: p.Asn367fs; shifts the reading frame from asparagine 367.
Molecular consequence: frameshift variant.
Genome position (GRCh38, 1-based): chr10:86,919,403, A deleted; the last of 5 consecutive A bases (chr10:86,919,399-86,919,403); deleting any one gives the same sequence. VCF-style (leftmost placement, unchanged base first): chr10-86919398-CA-C. GRCh37 (hg19) VCF-style: chr10-88679155-CA-C.
Other names: short protein forms N367fs.
Identifiers: ClinVar variation 859429 (VCV000859429.8), dbSNP rs1843627734, ClinGen allele CA916081593.

ClinVar aggregate classification (germline): Pathogenic (1 of 4 stars; one submission).

Conditions:
Juvenile polyposis syndrome (JPS). Identifiers: Orphanet 2929, MedGen C0345893, MONDO:0017380, OMIM 174900.

Submission:

Labcorp Genetics (formerly Invitae), Labcorp
Classification: Pathogenic for Juvenile polyposis syndrome. Last evaluated: 2019-01-26. Review status: criteria provided, single submitter. Criteria: Invitae Variant Classification Sherloc (09022015). Collection method: clinical testing. Allele origin: germline.
Comment: Loss-of-function variants in BMPR1A are known to be pathogenic (PMID: 11536076, 12417513). For these reasons, this variant has been classified as Pathogenic. This variant has not been reported in the literature in individuals with BMPR1A-related conditions. This variant is not present in population databases (ExAC no frequency). This sequence change creates a premature translational stop signal (p.Asn367Thrfs*32) in the BMPR1A gene. It is expected to result in an absent or disrupted protein product.

Literature cited by the submitters: PubMed 11536076; PubMed 12417513.